The following is an entry in ClinVar:

NM_004304.5(ALK):c.1063C>T (p.Leu355=)

Gene: ALK (ALK receptor tyrosine kinase; minus strand). Cytogenetic location: 2p23.2.
Variant type: single nucleotide variant.
Coding change: c.1063C>T on transcript NM_004304.5 (MANE Select); coding-DNA position 1063, C replaced by T.
Protein change: p.Leu355=; no amino-acid change (leucine 355 retained).
Molecular consequence: synonymous variant.
Genome position (GRCh38, 1-based): chr2:29,532,006, G>A on the plus strand (C>T on the coding strand, the complement: ALK is on the minus strand). VCF-style: chr2-29532006-G-A. GRCh37 (hg19) VCF-style: chr2-29754872-G-A.
Identifiers: ClinVar variation 2586675 (VCV002586675.10), dbSNP rs2465284325, ClinGen allele CA425517480.

ClinVar aggregate classification (germline): Likely benign. Review status: criteria provided, multiple submitters, no conflicts (2 of 4 stars). 2 submissions from 2 submitters: Likely benign (2). Last evaluated 2025-08-01.

Conditions:
Hereditary cancer-predisposing syndrome. Also called: Neoplastic Syndromes, Hereditary; Tumor predisposition; Hereditary Cancer Syndrome; Hereditary neoplastic syndrome. Identifiers: Orphanet 140162, MedGen C0027672, MeSH D009386, MONDO:0015356.

Allele frequency attached by ClinVar (database versions not stated): gnomAD exomes below 0.00001.
gnomAD v4.1: 1 of 1,614,190 alleles (0.000062%); highest among the groups gnomAD compares: South Asian, 0.0011%; no homozygotes.

Submissions (2):

CeGaT Center for Human Genetics Tuebingen
Classification: Likely benign. Last evaluated: 2025-08-01. Review status: criteria provided, single submitter. Criteria: CeGaT Center For Human Genetics Tuebingen Variant Classification Criteria Version 2. Collection method: clinical testing. Allele origin: germline. Affected: yes. Observed: 1 variant allele.
Comment: ALK: BP4, BP7

Ambry Genetics
Classification: Likely benign for Hereditary cancer-predisposing syndrome. Last evaluated: 2023-06-30. Review status: criteria provided, single submitter. Criteria: Ambry Variant Classification Scheme 2023. Collection method: clinical testing. Allele origin: germline.